The following is an entry in ClinVar:

NM_001374828.1(ARID1B):c.5424G>C (p.Glu1808Asp)

Gene: ARID1B (AT-rich interaction domain 1B; plus strand). Cytogenetic location: 6q25.3.
Variant type: single nucleotide variant.
Coding change: c.5424G>C on transcript NM_001374828.1 (MANE Select); coding-DNA position 5424, G replaced by C.
Protein change: p.Glu1808Asp; replaces glutamic acid 1808 with aspartic acid.
Molecular consequence: missense variant.
Genome position (GRCh38, 1-based): chr6:157,206,196, G>C. VCF-style: chr6-157206196-G-C. GRCh37 (hg19) VCF-style: chr6-157527330-G-C.
Other names: c.2925G>C, p.Glu975Asp (NM_001363725.2); c.5304G>C, p.Glu1768Asp (NM_001371656.1, NM_001374820.1); c.5265G>C, p.Glu1755Asp (NM_017519.3); short protein forms E1768D, E1808D, E975D, E1755D.
Identifiers: ClinVar variation 3635340 (VCV003635340.2).
Genomic context (GRCh38, chr6:157,206,196, plus strand): 5'-CTTTCTTTCTTCTCCTCCTCCTCCTCTCCAGTTGTCTGGATTTCTCGAACTTTTAGTCGA[G>C]TACTTTAGAAAATGCCTGATTGACATTTTTGGAATTCTTATGGAATATGAAGTGGGAGAC-3'
Protein context (NP_001361757.1, residues 1798-1818): QLSGFLELLV[Glu1808Asp]YFRKCLIDIF

ClinVar aggregate classification (germline): Uncertain significance (1 of 4 stars; one submission).

Submission:

Labcorp Genetics (formerly Invitae), Labcorp
Classification: Uncertain significance. Last evaluated: 2024-12-04. Review status: criteria provided, single submitter. Criteria: Invitae Variant Classification Sherloc (09022015). Collection method: clinical testing. Allele origin: germline.
Comment: This sequence change replaces glutamic acid, which is acidic and polar, with aspartic acid, which is acidic and polar, at codon 1685 of the ARID1B protein (p.Glu1685Asp). This variant is not present in population databases (gnomAD no frequency). This variant has not been reported in the literature in individuals affected with ARID1B-related conditions. Invitae Evidence Modeling of protein sequence and biophysical properties (such as structural, functional, and spatial information, amino acid conservation, physicochemical variation, residue mobility, and thermodynamic stability) indicates that this missense variant is not expected to disrupt ARID1B protein function with a negative predictive value of 95%. In summary, the available evidence is currently insufficient to determine the role of this variant in disease. Therefore, it has been classified as a Variant of Uncertain Significance.